The following is an entry in ClinVar:

NM_000551.4(VHL):c.341-11T>A

Genes: VHL (von Hippel-Lindau tumor suppressor; plus strand), LOC107303340 (3p25 von Hippel-Lindau tumor suppressor, E3 ubiquitin protein ligase Alu-mediated recombination region; plus strand). Cytogenetic location: 3p25.3.
Variant type: single nucleotide variant.
Coding change: c.341-11T>A on transcript NM_000551.4 (MANE Select); 11 bases into the intron before coding-DNA position 341, T replaced by A.
Molecular consequence: intron variant.
Genome position (GRCh38, 1-based): chr3:10,146,503, T>A. VCF-style: chr3-10146503-T-A. GRCh37 (hg19) VCF-style: chr3-10188187-T-A.
Other names: c.*18-3284T>A (NM_001354723.2); c.341-3284T>A (NM_198156.3).
Identifiers: ClinVar variation 1457988 (VCV001457988.6), dbSNP rs2125128187, ClinGen allele CA645524868.

ClinVar aggregate classification (germline): Pathogenic (1 of 4 stars; one submission).

Conditions:
Chuvash polycythemia. Also called: POLYCYTHEMIA, VHL-DEPENDENT. Identifiers: Orphanet 238557, MedGen C1837915, MONDO:0009892, OMIM 263400.
Von Hippel-Lindau syndrome (VHLS). Also called: Von Hippel-Lindau; VHL syndrome; von Hippel–Lindau syndrome. Identifiers: Orphanet 892, MedGen C0019562, MONDO:0008667, OMIM 193300. Disease mechanism: loss of function.

Submission:

Labcorp Genetics (formerly Invitae), Labcorp
Classification: Pathogenic for Von Hippel-Lindau syndrome; Chuvash polycythemia. Last evaluated: 2025-05-05. Review status: criteria provided, single submitter. Criteria: Invitae Variant Classification Sherloc (09022015). Collection method: clinical testing. Allele origin: germline.
Comment: This sequence change falls in intron 1 of the VHL gene. It does not directly change the encoded amino acid sequence of the VHL protein. RNA analysis indicates that this variant induces altered splicing and likely results in a shortened protein product. This variant is not present in population databases (gnomAD no frequency). This variant has been observed in individual(s) with von Hippel-Lindau (VHL) syndrome (internal data). ClinVar contains an entry for this variant (Variation ID: 1457988). Studies have shown this variant is associated with skipping of exon 2, but one or more of the resulting mRNA isoform(s) may be naturally occurring (PMID: 22825683, 29891534, 31350093; internal data). This variant disrupts a region of the VHL protein in which other variant(s) (deletion of exon 2) have been determined to be pathogenic (internal data). This suggests that this is a clinically significant region of the protein, and that variants that disrupt it are likely to be disease-causing. For these reasons, this variant has been classified as Pathogenic.

Literature cited by the submitters: PubMed 22825683; PubMed 29891534; PubMed 31350093.